The following is an entry in ClinVar:

NM_000540.3(RYR1):c.9523C>G (p.Leu3175Val)

Gene: RYR1 (ryanodine receptor 1; plus strand). Cytogenetic location: 19q13.2.
Variant type: single nucleotide variant.
Coding change: c.9523C>G on transcript NM_000540.3 (MANE Select); coding-DNA position 9523, C replaced by G.
Protein change: p.Leu3175Val; replaces leucine 3175 with valine.
Molecular consequence: missense variant.
Genome position (GRCh38, 1-based): chr19:38,515,076, C>G. VCF-style: chr19-38515076-C-G. GRCh37 (hg19) VCF-style: chr19-39005716-C-G.
Other names: c.9523C>G, p.Leu3175Val (NM_001042723.2); short protein forms L3175V.
Identifiers: ClinVar variation 424148 (VCV000424148.11), dbSNP rs528199298, ClinGen allele CA16620839.
Genomic context (GRCh38, chr19:38,515,076, plus strand): 5'-TCTCCCTCAGTGGACGACGTCCAGGTCTCTTGCTACCGAACGCTGTGCAGTATCTACTCC[C>G]TGGGAACCACCAAGAACACTTATGTGGAAAAGTAAGGAGAGGGAGCCATCGTTTGGGGCT-3'
Protein context (NP_000531.2, residues 3165-3185): CYRTLCSIYS[Leu3175Val]GTTKNTYVEK

ClinVar aggregate classification (germline): Uncertain significance. Review status: criteria provided, multiple submitters, no conflicts (2 of 4 stars). 3 submissions from 3 submitters: Uncertain significance (3). Last evaluated 2026-08-27.

Conditions:
RYR1-related disorder. Also called: RYR1-related condition; RYR1-related disorders. Identifiers: MedGen CN239331.
Malignant hyperthermia, susceptibility to, 1 (MHS1). Also called: Malignant hyperthermia suceptibility 1; Anesthesia related hyperthermia; Malignant hyperpyrexia; Fulminating hyperpyrexia; Pharmacogenic myopathy; RYR1-Related Malignant Hyperthermia Susceptibility. Identifiers: Orphanet 423, MedGen C2930980, MONDO:0007783, OMIM 145600.

Allele frequency attached by ClinVar (database versions not stated): gnomAD 0.00001; TOPMed 0.00005.
gnomAD v4.1: 5 of 1,612,414 alleles (0.00031%); highest among the groups gnomAD compares: Admixed American, 0.0067%; no homozygotes.

Submissions (3):

GeneDx
Classification: Uncertain significance. Last evaluated: 2026-08-27. Review status: criteria provided, single submitter. Criteria: GeneDx Variant Classification Process June 2021. Collection method: clinical testing. Allele origin: germline.
Comment: Not observed at significant frequency in large population cohorts (gnomAD); In silico analysis supports that this missense variant has a deleterious effect on protein structure/function; Has not been previously published as pathogenic or benign to our knowledge; This variant is associated with the following publications: (PMID: 12668474)

Labcorp Genetics (formerly Invitae), Labcorp
Classification: Uncertain significance for RYR1-related disorder. Last evaluated: 2025-07-02. Review status: criteria provided, single submitter. Criteria: Invitae Variant Classification Sherloc (09022015). Collection method: clinical testing. Allele origin: germline.
Comment: This sequence change replaces leucine, which is neutral and non-polar, with valine, which is neutral and non-polar, at codon 3175 of the RYR1 protein (p.Leu3175Val). This variant is present in population databases (rs528199298, gnomAD 0.006%). This variant has not been reported in the literature in individuals affected with RYR1-related conditions. ClinVar contains an entry for this variant (Variation ID: 424148). Invitae Evidence Modeling of protein sequence and biophysical properties (such as structural, functional, and spatial information, amino acid conservation, physicochemical variation, residue mobility, and thermodynamic stability) has been performed for this missense variant. However, the output from this modeling did not meet the statistical confidence thresholds required to predict the impact of this variant on RYR1 protein function. In summary, the available evidence is currently insufficient to determine the role of this variant in disease. Therefore, it has been classified as a Variant of Uncertain Significance.

All of Us Research Program, National Institutes of Health
Classification: Uncertain significance for Malignant hyperthermia, susceptibility to, 1. Last evaluated: 2024-08-13. Review status: criteria provided, single submitter. Criteria: ACMG Guidelines, 2015. Collection method: clinical testing. Allele origin: germline. Inheritance: Autosomal dominant inheritance. Observed: 1 variant allele, 1 heterozygote.
Comment: This missense variant replaces leucine with valine at codon 3175 of the RYR1 protein. Computational prediction suggests that this variant may not impact protein structure and function (internally defined REVEL score threshold <= 0.5, PMID: 27666373). To our knowledge, functional studies have not been reported for this variant. This variant has not been reported in individuals affected with RYR1-related disorders in the literature. This variant has been identified in 4/251296 chromosomes in the general population by the Genome Aggregation Database (gnomAD). The available evidence is insufficient to determine the role of this variant in disease conclusively. Therefore, this variant is classified as a Variant of Uncertain Significance.

This study involves interpretation of variants in research participants for the purpose of population health screening. Participant phenotype was not available at the time of variant classification. Additional details can be found in publication PMID: 35346344, PMCID: PMC8962531